The following is an entry in ClinVar:

ClinVar aggregate classification (germline): Pathogenic/Likely pathogenic. Review status: criteria provided, multiple submitters, no conflicts (2 of 4 stars). 3 submissions from 3 submitters: Pathogenic (1); Likely pathogenic (2). Last evaluated 2026-02-19.

Conditions:
EMD-related disorders.
Cardiovascular phenotype. Identifiers: MedGen CN230736.
X-linked Emery-Dreifuss muscular dystrophy. Also called: Muscular dystrophy, tardive Emery-Dreifuss type, with contractures. Identifiers: Orphanet 261, Orphanet 98863, MedGen C0751337, MONDO:0010680.

Submissions (3):

Molecular Diagnostic Laboratory for Inherited Cardiovascular Disease, Montreal Heart Institute
Classification: Likely pathogenic for Cardiovascular phenotype. Last evaluated: 2026-02-19. Review status: criteria provided, single submitter. Criteria: ACMG Guidelines, 2015. Collection method: clinical testing. Allele origin: germline. Affected: yes.
Comment: PVS1_strong, PM2, PP4

Blueprint Genetics
Classification: Likely pathogenic for EMD-related disorders. Last evaluated: 2024-05-21. Review status: criteria provided, single submitter. Criteria: ACMG Guidelines, 2015. Collection method: clinical testing. Allele origin: germline. Affected: yes. Observed: 2 variant alleles.

Molecular Diagnostics Lab, Nemours Children's Health, Delaware
Classification: Pathogenic for Emery-Dreifuss muscular dystrophy 1, X-linked. Last evaluated: 2016-07-14. Review status: criteria provided, single submitter. Criteria: ACMG Guidelines, 2015. Collection method: clinical testing. Allele origin: unknown, maternal. Affected: no and yes. Observed: 1 heterozygote, 2 hemizygotes. Clinical features observed: elbow contracture, humeroperoneal weakness, spinal rigidity.

Literature cited by the submitters: PubMed 10382909 (cited by Molecular Diagnostics Lab, Nemours Children's Health, Delaware).

NM_000117.3(EMD):c.674_678del (p.Leu225fs)

Gene: EMD (emerin; plus strand). Cytogenetic location: Xq28.
Variant type: Deletion.
Coding change: c.674_678del on transcript NM_000117.3 (MANE Select); coding-DNA positions 674 to 678, 5 bases deleted (TCTGG; older notation c.674_678delTCTGG).
Protein change: p.Leu225fs; shifts the reading frame from leucine 225.
Molecular consequence: frameshift variant.
Genome position (GRCh38, 1-based): chrX:154,381,106-154,381,110, TCTGG deleted. VCF-style (leftmost placement, unchanged base first): chrX-154381105-CTCTGG-C. GRCh37 (hg19) VCF-style: chrX-153609465-CTCTGG-C.
Other names: c.674_678del (NM_000117.2); c.674_678delTCTGG (NM_000117.2); short protein forms L225fs.
Identifiers: ClinVar variation 433169 (VCV000433169.5), dbSNP rs1557182692, ClinGen allele CA645373326.